The following is an entry in ClinVar:

ClinVar aggregate classification (germline): Uncertain significance (1 of 4 stars; one submission).

Conditions:
Angelman syndrome (AS). Also called: HAPPY PUPPET SYNDROME. Identifiers: Orphanet 72, MedGen C0162635, MONDO:0007113, OMIM 105830. Disease mechanism: loss of function. Inheritance: AS is caused by disruption of maternally imprinted UBE3A located within the 15q11.2-q13 Angelman syndrome/Prader-Willi syndrome (AS/PWS) region., imprinting disorder.

Allele frequency attached by ClinVar (database versions not stated): gnomAD exomes below 0.00001.
gnomAD v4.1: 5 of 1,614,158 alleles (0.00031%); highest among the groups gnomAD compares: Non-Finnish European, 0.00034%; no homozygotes.

Submission:

Labcorp Genetics (formerly Invitae), Labcorp
Classification: Uncertain significance for Angelman syndrome. Last evaluated: 2024-10-17. Review status: criteria provided, single submitter. Criteria: Invitae Variant Classification Sherloc (09022015). Collection method: clinical testing. Allele origin: germline.
Comment: This sequence change replaces lysine, which is basic and polar, with arginine, which is basic and polar, at codon 300 of the UBE3A protein (p.Lys300Arg). This variant is not present in population databases (gnomAD no frequency). This variant has not been reported in the literature in individuals affected with UBE3A-related conditions. Invitae Evidence Modeling of protein sequence and biophysical properties (such as structural, functional, and spatial information, amino acid conservation, physicochemical variation, residue mobility, and thermodynamic stability) indicates that this missense variant is not expected to disrupt UBE3A protein function with a negative predictive value of 80%. In summary, the available evidence is currently insufficient to determine the role of this variant in disease. Therefore, it has been classified as a Variant of Uncertain Significance.

NM_130839.5(UBE3A):c.959A>G (p.Lys320Arg)

Genes: SNHG14 (small nucleolar RNA host gene 14; plus strand), UBE3A (ubiquitin protein ligase E3A; minus strand). Cytogenetic location: 15q11.2.
Variant type: single nucleotide variant.
Coding change: c.959A>G on transcript NM_130839.5 (MANE Select); coding-DNA position 959, A replaced by G.
Protein change: p.Lys320Arg; replaces lysine 320 with arginine.
Molecular consequence: missense variant. On other transcripts: non-coding transcript variant (1), intron variant (2).
Genome position (GRCh38, 1-based): chr15:25,371,215, T>C on the plus strand (A>G on the coding strand, the complement: UBE3A is on the minus strand). VCF-style: chr15-25371215-T-C. GRCh37 (hg19) VCF-style: chr15-25616362-T-C.
Other names: c.899A>G, p.Lys300Arg (NM_001354513.2, NM_001354523.2, NM_001354526.1 and 17 more transcripts); c.959A>G, p.Lys320Arg (NM_001354538.2, NM_001354545.2, NM_001354505.1); c.782A>G, p.Lys261Arg (NM_001354546.2); c.301+4250A>G (NM_001354551.2); c.361+4250A>G (NM_001354550.2); c.968A>G, p.Lys323Arg (NM_000462.5); short protein forms K300R, K320R, K323R, K261R.
Identifiers: ClinVar variation 2911598 (VCV002911598.3), dbSNP rs2552191669, ClinGen allele CA391354684.